The following is an entry in ClinVar:

ClinVar aggregate classification (germline): Uncertain significance (1 of 4 stars; one submission).

Allele frequency attached by ClinVar (database versions not stated): gnomAD exomes 0.00002.

Submission:

Labcorp Genetics (formerly Invitae), Labcorp
Classification: Uncertain significance. Last evaluated: 2023-12-12. Review status: criteria provided, single submitter. Criteria: Invitae Variant Classification Sherloc (09022015). Collection method: clinical testing. Allele origin: germline.
Comment: This variant, c.10486_10488del, results in the deletion of 1 amino acid(s) of the HUWE1 protein (p.Thr3496del), but otherwise preserves the integrity of the reading frame. This variant is not present in population databases (gnomAD no frequency). This variant has not been reported in the literature in individuals affected with HUWE1-related conditions. Experimental studies and prediction algorithms are not available or were not evaluated, and the functional significance of this variant is currently unknown. In summary, the available evidence is currently insufficient to determine the role of this variant in disease. Therefore, it has been classified as a Variant of Uncertain Significance.

NM_031407.7(HUWE1):c.10486_10488del (p.Thr3496del)

Gene: HUWE1 (HECT, UBA and WWE domain containing E3 ubiquitin protein ligase 1; minus strand). Cytogenetic location: Xp11.22.
Variant type: Deletion.
Coding change: c.10486_10488del on transcript NM_031407.7 (MANE Select); coding-DNA positions 10486 to 10488, 3 bases deleted (ACT; older notation c.10486_10488delACT).
Protein change: p.Thr3496del; deletes threonine 3496.
Molecular consequence: inframe deletion.
Genome position (GRCh38, 1-based): chrX:53,547,821-53,547,823, AGT deleted on the plus strand (ACT on the coding strand, the reverse complement: HUWE1 is on the minus strand). VCF-style (leftmost placement, unchanged base first): chrX-53547820-CAGT-C. GRCh37 (hg19) VCF-style: chrX-53574781-CAGT-C.
Other names: short protein forms T3496del.
Identifiers: ClinVar variation 2702467 (VCV002702467.3), dbSNP rs2523124755, ClinGen allele CA2693811757.
Genomic context (GRCh38, chrX:53,547,820, plus strand): 5'-GGGCTGGAGCAGAAGTGACAGGGGTGGGTGCAGTAGGGGGTGTGGGCGTGGTGGAGGCGG[CAGT>C]GGTGGTGGTGGTAGATGTGGTTGAGGTGGCAGTGGTGGTGGAGGAAGCACCGCTGCCAGA-3'